The following is an entry in ClinVar:

NM_025137.4(SPG11):c.4910C>A (p.Pro1637Gln)

Gene: SPG11 (SPG11 vesicle trafficking associated, spatacsin; minus strand). Cytogenetic location: 15q21.1.
Variant type: single nucleotide variant.
Coding change: c.4910C>A on transcript NM_025137.4 (MANE Select); coding-DNA position 4910, C replaced by A.
Protein change: p.Pro1637Gln; replaces proline 1637 with glutamine.
Molecular consequence: missense variant.
Genome position (GRCh38, 1-based): chr15:44,585,847, G>T on the plus strand (C>A on the coding strand, the complement: SPG11 is on the minus strand). VCF-style: chr15-44585847-G-T. GRCh37 (hg19) VCF-style: chr15-44878045-G-T.
Other names: c.4910C>A, p.Pro1637Gln (NM_001160227.2); short protein forms P1637Q.
Identifiers: ClinVar variation 579772 (VCV000579772.9), dbSNP rs755996252, ClinGen allele CA7534529.

ClinVar aggregate classification (germline): Uncertain significance. Review status: criteria provided, multiple submitters, no conflicts (2 of 4 stars). 2 submissions from 2 submitters: Uncertain significance (2). Last evaluated 2025-08-28.

Conditions:
Inborn genetic diseases. Identifiers: MedGen C0950123, MeSH D030342.
Hereditary spastic paraplegia 11. Also called: Nakamura Osame syndrome; Autosomal recessive hereditary spastic paraplegia, mental impairment, and thin corpus callosum; SPASTIC PARAPLEGIA, AUTOSOMAL RECESSIVE, COMPLICATED, WITH THIN CORPUS CALLOSUM; SPASTIC PARAPLEGIA, AUTOSOMAL RECESSIVE, WITH MENTAL IMPAIRMENT AND THIN CORPUS CALLOSUM; Spastic paraplegia, mental retardation and thin corpus callosum; Spastic Paraplegia 11. Identifiers: Orphanet 2822, MedGen C1858479, MONDO:0011445, OMIM 604360.

Allele frequency attached by ClinVar (database versions not stated): TOPMed below 0.00001; gnomAD exomes 0.00001; ExAC 0.00002.
gnomAD v4.1: 12 of 1,613,632 alleles (0.00074%); highest among the groups gnomAD compares: Non-Finnish European, 0.00093%; no homozygotes.

Submissions (2):

Ambry Genetics
Classification: Uncertain significance for Inborn genetic diseases. Last evaluated: 2025-08-28. Review status: criteria provided, single submitter. Criteria: Ambry Variant Classification Scheme 2023. Collection method: clinical testing. Allele origin: germline.

Labcorp Genetics (formerly Invitae), Labcorp
Classification: Uncertain significance for Hereditary spastic paraplegia 11. Last evaluated: 2022-09-13. Review status: criteria provided, single submitter. Criteria: Invitae Variant Classification Sherloc (09022015). Collection method: clinical testing. Allele origin: germline.
Comment: This sequence change replaces proline, which is neutral and non-polar, with glutamine, which is neutral and polar, at codon 1637 of the SPG11 protein (p.Pro1637Gln). This variant is present in population databases (rs755996252, gnomAD 0.002%). This variant has not been reported in the literature in individuals affected with SPG11-related conditions. ClinVar contains an entry for this variant (Variation ID: 579772). Advanced modeling of protein sequence and biophysical properties (such as structural, functional, and spatial information, amino acid conservation, physicochemical variation, residue mobility, and thermodynamic stability) performed at Invitae indicates that this missense variant is expected to disrupt SPG11 protein function. In summary, the available evidence is currently insufficient to determine the role of this variant in disease. Therefore, it has been classified as a Variant of Uncertain Significance.